The following is an entry in ClinVar:

ClinVar aggregate classification (germline): Uncertain significance. Review status: criteria provided, multiple submitters, no conflicts (2 of 4 stars). 2 submissions from 2 submitters: Uncertain significance (2). Last evaluated 2024-06-11.

Submissions (2):

GeneDx
Classification: Uncertain significance. Last evaluated: 2024-06-11. Review status: criteria provided, single submitter. Criteria: GeneDx Variant Classification Process June 2021. Collection method: clinical testing. Allele origin: germline. Affected: yes.
Comment: Not observed at significant frequency in large population cohorts (gnomAD); In silico analysis indicates that this missense variant does not alter protein structure/function; This variant is associated with the following publications: (PMID: 30577886)

Genomic Diagnostic Laboratory, Division of Genomic Diagnostics, Children's Hospital of Philadelphia
Classification: Uncertain significance. Last evaluated: 2015-09-17. Review status: criteria provided, single submitter. Criteria: DGD Variant Analysis Guidelines. Collection method: clinical testing. Allele origin: unknown.

NM_004958.4(MTOR):c.2885A>G (p.Gln962Arg)

Gene: MTOR (mechanistic target of rapamycin kinase; minus strand). Cytogenetic location: 1p36.22.
Variant type: single nucleotide variant.
Coding change: c.2885A>G on transcript NM_004958.4 (MANE Select); coding-DNA position 2885, A replaced by G.
Protein change: p.Gln962Arg; replaces glutamine 962 with arginine.
Molecular consequence: missense variant.
Genome position (GRCh38, 1-based): chr1:11,228,813, T>C on the plus strand (A>G on the coding strand, the complement: MTOR is on the minus strand). VCF-style: chr1-11228813-T-C. GRCh37 (hg19) VCF-style: chr1-11288870-T-C.
Other names: c.2885A>G (LRG_734t1); short protein forms Q962R.
Identifiers: ClinVar variation 252640 (VCV000252640.3), dbSNP rs879255386, ClinGen allele CA10585947.